The following is an entry in ClinVar:

ClinVar aggregate classification (germline): Uncertain significance (1 of 4 stars; one submission).

Conditions:
Cardiovascular phenotype. Identifiers: MedGen CN230736.

gnomAD v4.1: 1 of 1,613,690 alleles (0.000062%); highest among the groups gnomAD compares: South Asian, 0.0011%; no homozygotes.

Submission:

Ambry Genetics
Classification: Uncertain significance for Cardiovascular phenotype. Last evaluated: 2023-03-28. Review status: criteria provided, single submitter. Criteria: Ambry Variant Classification Scheme 2023. Collection method: clinical testing. Allele origin: germline.
Comment: The p.R1944P variant (also known as c.5831G>C), located in coding exon 8 of the ALMS1 gene, results from a G to C substitution at nucleotide position 5831. The arginine at codon 1944 is replaced by proline, an amino acid with dissimilar properties. This amino acid position is poorly conserved in available vertebrate species. In addition, this alteration is predicted to be tolerated by in silico analysis. Since supporting evidence is limited at this time, the clinical significance of this alteration remains unclear.

NM_001378454.1(ALMS1):c.5828G>C (p.Arg1943Pro)

Gene: ALMS1 (ALMS1 centrosome and basal body associated protein; plus strand). Cytogenetic location: 2p13.1.
Variant type: single nucleotide variant.
Coding change: c.5828G>C on transcript NM_001378454.1 (MANE Select); coding-DNA position 5828, G replaced by C.
Protein change: p.Arg1943Pro; replaces arginine 1943 with proline.
Molecular consequence: missense variant.
Genome position (GRCh38, 1-based): chr2:73,452,355, G>C. VCF-style: chr2-73452355-G-C. GRCh37 (hg19) VCF-style: chr2-73679482-G-C.
Other names: c.5831G>C, p.Arg1944Pro (NM_015120.4); short protein forms R1943P, R1944P.
Identifiers: ClinVar variation 2564324 (VCV002564324.2), dbSNP rs146669152, ClinGen allele CA347283443.